The following is an entry in ClinVar:

NM_015215.4(CAMTA1):c.4546C>G (p.Leu1516Val)

Gene: CAMTA1 (calmodulin binding transcription activator 1; plus strand). Cytogenetic location: 1p36.23.
Variant type: single nucleotide variant.
Coding change: c.4546C>G on transcript NM_015215.4 (MANE Select); coding-DNA position 4546, C replaced by G.
Protein change: p.Leu1516Val; replaces leucine 1516 with valine.
Molecular consequence: missense variant.
Genome position (GRCh38, 1-based): chr1:7,746,020, C>G. VCF-style: chr1-7746020-C-G. GRCh37 (hg19) VCF-style: chr1-7806080-C-G.
Other names: c.4456C>G, p.Leu1486Val (NM_001349608.2); c.4207C>G, p.Leu1403Val (NM_001349609.2, NM_001349610.2, NM_001410737.1); c.4117C>G, p.Leu1373Val (NM_001349612.2); c.1675C>G, p.Leu559Val (NM_001349613.1); c.1618C>G, p.Leu540Val (NM_001349614.1, NM_001349615.2, NM_001349616.2 and 2 more transcripts); c.1279C>G, p.Leu427Val (NM_001349619.2, NM_001349620.1, NM_001349621.1 and 5 more transcripts); c.4135C>G, p.Leu1379Val (NM_001410738.1); short protein forms L1403V, L1486V, L427V, L1379V, L540V, L559V, L1373V, L1516V.
Identifiers: ClinVar variation 5008004 (VCV005008004.1).

ClinVar aggregate classification (germline): Uncertain significance (1 of 4 stars; one submission).

gnomAD v4.1: 2 of 1,614,210 alleles (0.00012%); highest among the groups gnomAD compares: Non-Finnish European, 0.000085%; no homozygotes.

Submission:

GeneDx
Classification: Uncertain significance. Last evaluated: 2026-02-24. Review status: criteria provided, single submitter. Criteria: GeneDx Variant Classification Process June 2021. Collection method: clinical testing. Allele origin: germline.
Comment: Not observed at significant frequency in large population cohorts (gnomAD); In silico analysis supports that this missense variant has a deleterious effect on protein structure/function; Has not been previously published as pathogenic or benign to our knowledge